The following is an entry in ClinVar:

ClinVar aggregate classification (germline): Pathogenic (1 of 4 stars; one submission).

Conditions:
Hypertrophic osteoarthropathy, primary, autosomal recessive, 1 (PHOAR1). Also called: PHO, AUTOSOMAL RECESSIVE. Identifiers: Orphanet 1525, Orphanet 2796, MedGen C4551679, MONDO:0024546, OMIM 259100.

Submission:

Institute of Human Genetics, FAU Erlangen, Friedrich-Alexander-Universität Erlangen-Nürnberg
Classification: Pathogenic for Hypertrophic osteoarthropathy, primary, autosomal recessive, 1. Last evaluated: 2023-04-25. Review status: criteria provided, single submitter. Criteria: Hauer et al. (Genet Med. 2018). Collection method: clinical testing. Allele origin: germline. Inheritance: Autosomal recessive inheritance. Affected: yes. Observed: 1 variant allele.
Comment: This variant has been identified by standard clinical testing. Selected ACMG criteria: Pathogenic (I):PP4;PM2;PVS1

NM_000860.6(HPGD):c.662+2T>A

Gene: HPGD (15-hydroxyprostaglandin dehydrogenase; minus strand). Cytogenetic location: 4q34.1.
Variant type: single nucleotide variant.
Coding change: c.662+2T>A on transcript NM_000860.6 (MANE Select); the canonical splice donor site of the intron after coding-DNA position 662, T replaced by A.
Molecular consequence: splice donor variant. On other transcripts: intron variant (2).
Genome position (GRCh38, 1-based): chr4:174,493,149, A>T on the plus strand (T>A on the coding strand, the complement: HPGD is on the minus strand). VCF-style: chr4-174493149-A-T. GRCh37 (hg19) VCF-style: chr4-175414300-A-T.
Other names: c.458+2T>A (NM_001256306.2); c.299+2T>A (NM_001256307.2, NM_001256301.1); c.422-1055T>A (NM_001256305.2); c.499-1055T>A (NM_001145816.3).
Identifiers: ClinVar variation 2499675 (VCV002499675.1), dbSNP rs1579268244, ClinGen allele CA358811901.